The following is an entry in ClinVar:

ClinVar aggregate classification (germline): Likely benign. Review status: criteria provided, multiple submitters, no conflicts (2 of 4 stars). 3 submissions from 3 submitters: Likely benign (2). 1 of the submissions does not count toward it. Last evaluated 2026-07-01.

Conditions:
MPO-related disorder. Also called: MPO-related condition.

Allele frequency attached by ClinVar (database versions not stated): 1000 Genomes Project 0.00140; 1000 Genomes Project 30x 0.00141; ExAC 0.00225; ESP Exome Variant Server 0.00261; gnomAD 0.00303; TOPMed 0.00387; gnomAD exomes 0.00425.

Submissions (3):

CeGaT Center for Human Genetics Tuebingen
Classification: Likely benign. Last evaluated: 2026-07-01. Review status: criteria provided, single submitter. Criteria: CeGaT Center For Human Genetics Tuebingen Variant Classification Criteria Version 2. Collection method: clinical testing. Allele origin: germline. Affected: yes. Observed: 1 variant allele.
Comment: MPO: BP4, BS2

Blueprint Genetics
Classification: Likely benign. Last evaluated: 2024-11-27. Review status: criteria provided, single submitter. Criteria: ACMG Guidelines, 2015. Collection method: clinical testing. Allele origin: germline.

PreventionGenetics, part of Exact Sciences
Classification: Likely benign for MPO-related condition. Last evaluated: 2024-01-31. Review status: no assertion criteria provided. Collection method: clinical testing. Allele origin: germline. Not counted in ClinVar's aggregate classification.
Comment: This variant is classified as likely benign based on ACMG/AMP sequence variant interpretation guidelines (Richards et al. 2015 PMID: 25741868, with internal and published modifications).

NM_000250.2(MPO):c.1924A>C (p.Ile642Leu)

Gene: MPO (myeloperoxidase; minus strand). Cytogenetic location: 17q22.
Variant type: single nucleotide variant.
Coding change: c.1924A>C on transcript NM_000250.2 (MANE Select); coding-DNA position 1924, A replaced by C.
Protein change: p.Ile642Leu; replaces isoleucine 642 with leucine.
Molecular consequence: missense variant.
Genome position (GRCh38, 1-based): chr17:58,271,761, T>G on the plus strand (A>C on the coding strand, the complement: MPO is on the minus strand). VCF-style: chr17-58271761-T-G. GRCh37 (hg19) VCF-style: chr17-56349122-T-G.
Other names: short protein forms I642L.
Identifiers: ClinVar variation 3052711 (VCV003052711.4), dbSNP rs112737382, ClinGen allele CA8670488.